The following is an entry in ClinVar:

ClinVar aggregate classification (germline): Pathogenic/Likely pathogenic. Review status: criteria provided, multiple submitters, no conflicts (2 of 4 stars). 2 submissions from 2 submitters: Pathogenic (1); Likely pathogenic (1). Last evaluated 2018-07-31.

Conditions:
Rare genetic deafness. Identifiers: Orphanet 96210, MedGen C5680250.
CDH23-related disorder. Also called: CDH23-related disorders; CDH23-related condition.

Submissions (2):

Blueprint Genetics
Classification: Likely pathogenic for CDH23-related disorders. Last evaluated: 2018-07-31. Review status: criteria provided, single submitter. Criteria: ACMG Guidelines, 2015. Collection method: clinical testing. Allele origin: germline. Affected: yes. Observed: 1 variant allele.

Laboratory for Molecular Medicine, Mass General Brigham Personalized Medicine
Classification: Pathogenic for Rare genetic deafness. Last evaluated: 2013-08-29. Review status: criteria provided, single submitter. Criteria: LMM Criteria. Collection method: clinical testing. Allele origin: germline. Inheritance: Autosomal recessive inheritance. Observed: 1 variant allele.
Comment: The 7873-2A>T variant in CDH23 has not been reported in individuals with hearing loss and is absent in large population studies. This variant occurs in the inva riant region (+/- 1/2) of the splice consensus sequence and is predicted to caus e altered splicing leading to an abnormal or absent protein. In summary, this va riant meets our criteria to be classified as pathogenic (rg/LMM).

NM_022124.6(CDH23):c.7873-2A>T

Gene: CDH23 (cadherin related 23; plus strand). Cytogenetic location: 10q22.1.
Variant type: single nucleotide variant.
Coding change: c.7873-2A>T on transcript NM_022124.6 (MANE Select); the canonical splice acceptor site of the intron before coding-DNA position 7873, A replaced by T.
Molecular consequence: splice acceptor variant.
Genome position (GRCh38, 1-based): chr10:71,805,804, A>T. VCF-style: chr10-71805804-A-T. GRCh37 (hg19) VCF-style: chr10-73565561-A-T.
Other names: c.1153-2A>T (NM_001171933.1, NM_001171934.1).
Identifiers: ClinVar variation 162945 (VCV000162945.5), dbSNP rs727502933, ClinGen allele CA273133.